The following is an entry in ClinVar:

ClinVar aggregate classification (germline): Benign/Likely benign. Review status: criteria provided, multiple submitters, no conflicts (2 of 4 stars). 3 submissions from 3 submitters: Benign (1); Likely benign (1). 1 of the submissions does not count toward it. Last evaluated 2026-01-22.

Conditions:
ITGB4-related disorder. Also called: ITGB4-related condition.
Junctional epidermolysis bullosa with pyloric atresia. Also called: ITGB4-Related Epidermolysis Bullosa with Pyloric Atresia; ITGA6-Related Epidermolysis Bullosa with Pyloric Atresia; EPIDERMOLYSIS BULLOSA, JUNCTIONAL 5B, WITH PYLORIC ATRESIA; APLASIA CUTIS CONGENITA WITH GASTROINTESTINAL ATRESIA; CARMI SYNDROME; EB-PA-ACC. Identifiers: Orphanet 79403, MedGen C5676875, MONDO:0009183, OMIM 226730.

Allele frequency attached by ClinVar (database versions not stated): gnomAD 0.00035 and 0.00047; gnomAD exomes 0.00042 and 0.00092; TOPMed 0.00053; ExAC 0.00059; 1000 Genomes Project 30x 0.00156; 1000 Genomes Project 0.00200.
gnomAD v4.1: 674 of 1,554,642 alleles (0.043%); highest among the groups gnomAD compares: East Asian, 1.4%; 2 homozygotes.

Submissions (3):

Labcorp Genetics (formerly Invitae), Labcorp
Classification: Benign. Last evaluated: 2026-01-22. Review status: criteria provided, single submitter. Criteria: Invitae Variant Classification Sherloc (09022015). Collection method: clinical testing. Allele origin: germline.

Illumina Laboratory Services, Illumina
Classification: Likely benign for Junctional epidermolysis bullosa with pyloric atresia. Last evaluated: 2018-01-13. Review status: criteria provided, single submitter. Criteria: ICSL Variant Classification Criteria 13 December 2019. Collection method: clinical testing. Allele origin: germline.
Comment: This variant was observed in the ICSL laboratory as part of a predisposition screen in an ostensibly healthy population. It had not been previously curated by ICSL or reported in the Human Gene Mutation Database (HGMD: prior to June 1st, 2018), and was therefore a candidate for classification through an automated scoring system. Utilizing variant allele frequency, disease prevalence and penetrance estimates, and inheritance mode, an automated score was calculated to assess if this variant is too frequent to cause the disease. Based on the score and internal cut-off values, a variant classified as likely benign is not then subjected to further curation. The score for this variant resulted in a classification of likely benign for this disease.

PreventionGenetics, part of Exact Sciences
Classification: Likely benign for ITGB4-related condition. Last evaluated: 2019-03-18. Review status: no assertion criteria provided. Collection method: clinical testing. Allele origin: germline. Not counted in ClinVar's aggregate classification.
Comment: This variant is classified as likely benign based on ACMG/AMP sequence variant interpretation guidelines (Richards et al. 2015 PMID: 25741868, with internal and published modifications).

NM_000213.5(ITGB4):c.2108A>G (p.Lys703Arg)

Gene: ITGB4 (integrin subunit beta 4; plus strand). Cytogenetic location: 17q25.1.
Variant type: single nucleotide variant.
Coding change: c.2108A>G on transcript NM_000213.5 (MANE Select); coding-DNA position 2108, A replaced by G.
Protein change: p.Lys703Arg; replaces lysine 703 with arginine.
Molecular consequence: missense variant.
Genome position (GRCh38, 1-based): chr17:75,737,439, A>G. VCF-style: chr17-75737439-A-G. GRCh37 (hg19) VCF-style: chr17-73733520-A-G.
Other names: c.2108A>G, p.Lys703Arg (NM_001005619.2, NM_001005731.3, NM_001321123.2); short protein forms K703R.
Identifiers: ClinVar variation 325159 (VCV000325159.14), dbSNP rs56119997, ClinGen allele CA8769246.